The following is an entry in ClinVar:

NM_033118.4(MYLK2):c.713C>T (p.Ser238Phe)

Gene: MYLK2 (myosin light chain kinase 2; plus strand). Cytogenetic location: 20q11.21.
Variant type: single nucleotide variant.
Coding change: c.713C>T on transcript NM_033118.4 (MANE Select); coding-DNA position 713, C replaced by T.
Protein change: p.Ser238Phe; replaces serine 238 with phenylalanine.
Molecular consequence: missense variant.
Genome position (GRCh38, 1-based): chr20:31,821,678, C>T. VCF-style: chr20-31821678-C-T. GRCh37 (hg19) VCF-style: chr20-30409481-C-T.
Other names: short protein forms S238F.
Identifiers: ClinVar variation 4554940 (VCV004554940.1).
Genomic context (GRCh38, chr20:31,821,678, plus strand): 5'-CTAAGATGCAAGGGGACACCTCGAGGGGGATTGAGTTCCAGGCTGTTCCCTCAGAGAAAT[C>T]CGAGGTGGGGCAGGCCCTCTGTCTCACAGCCAGGGAGGAGGACTGCTTCCAGATTTTGGG-3'
Protein context (NP_149109.1, residues 228-248): IEFQAVPSEK[Ser238Phe]EVGQALCLTA

ClinVar aggregate classification (germline): Uncertain significance (1 of 4 stars; one submission).

Submission:

Ambry Genetics
Classification: Uncertain significance. Last evaluated: 2025-11-07. Review status: criteria provided, single submitter. Criteria: Ambry Variant Classification Scheme 2023. Collection method: clinical testing. Allele origin: germline.
Comment: The p.S238F variant (also known as c.713C>T), located in coding exon 3 of the MYLK2 gene, results from a C to T substitution at nucleotide position 713. The serine at codon 238 is replaced by phenylalanine, an amino acid with highly dissimilar properties. This amino acid position is conserved. In addition, this alteration is predicted to be tolerated by in silico analysis. Based on the available evidence, the clinical significance of this variant remains unclear.